The following is an entry in ClinVar:

ClinVar aggregate classification (germline): Conflicting classifications of pathogenicity. Review status: criteria provided, conflicting classifications (1 of 4 stars). 2 submissions from 2 submitters: Uncertain significance (1); Likely benign (1). Last evaluated 2023-03-23.

Conditions:
Hereditary breast ovarian cancer syndrome. Also called: Hereditary breast and ovarian cancer; Hereditary breast and ovarian cancer syndrome (HBOC); BRCA1- and BRCA2-Associated Hereditary Breast and Ovarian Cancer; Hereditary breast and ovarian cancer syndrome; Hereditary breast and/or ovarian cancer syndrome; Breast and ovarian cancer. Identifiers: Orphanet 145, MedGen C0677776, MeSH D061325, MONDO:0003582. Disease mechanism: loss of function.
Hereditary cancer-predisposing syndrome. Also called: Neoplastic Syndromes, Hereditary; Tumor predisposition; Hereditary Cancer Syndrome; Hereditary neoplastic syndrome. Identifiers: Orphanet 140162, MedGen C0027672, MeSH D009386, MONDO:0015356.

Submissions (2):

University of Washington Department of Laboratory Medicine, University of Washington
Classification: Likely benign for Hereditary cancer-predisposing syndrome. Last evaluated: 2023-03-23. Review status: criteria provided, single submitter. Criteria: Dines et al. (Genet Med. 2020). Collection method: curation. Allele origin: germline.
Comment: Missense variant in a coldspot region where missense variants are very unlikely to be pathogenic (PMID:31911673).

BRCA2 exon 11 coldspot. Reclassification based on statistical prior probability.

Labcorp Genetics (formerly Invitae), Labcorp
Classification: Uncertain significance for Hereditary breast ovarian cancer syndrome. Last evaluated: 2018-09-14. Review status: criteria provided, single submitter. Criteria: Invitae Variant Classification Sherloc (09022015). Collection method: clinical testing. Allele origin: germline.
Comment: Algorithms developed to predict the effect of missense changes on protein structure and function output the following: SIFT: "Tolerated"; PolyPhen-2: "Benign"; Align-GVGD: "Class C0". The alanine amino acid residue is found in multiple mammalian species, suggesting that this missense change does not adversely affect protein function. These predictions have not been confirmed by published functional studies and their clinical significance is uncertain. In summary, the available evidence is currently insufficient to determine the role of this variant in disease. Therefore, it has been classified as a Variant of Uncertain Significance. Algorithms developed to predict the effect of sequence changes on RNA splicing suggest that this variant may create or strengthen a splice site, but this prediction has not been confirmed by published transcriptional studies. This variant has not been reported in the literature in individuals with BRCA2-related disease. This variant is not present in population databases (ExAC no frequency). This sequence change replaces serine with alanine at codon 1172 of the BRCA2 protein (p.Ser1172Ala). The serine residue is moderately conserved and there is a moderate physicochemical difference between serine and alanine.

NM_000059.4(BRCA2):c.3514T>G (p.Ser1172Ala)

Gene: BRCA2 (BRCA2 DNA repair associated; plus strand). Cytogenetic location: 13q13.1.
Variant type: single nucleotide variant.
Coding change: c.3514T>G on transcript NM_000059.4 (MANE Select); coding-DNA position 3514, T replaced by G.
Protein change: p.Ser1172Ala; replaces serine 1172 with alanine.
Molecular consequence: missense variant.
Genome position (GRCh38, 1-based): chr13:32,337,869, T>G. VCF-style: chr13-32337869-T-G. GRCh37 (hg19) VCF-style: chr13-32912006-T-G.
Other names: short protein forms S1172A.
Identifiers: ClinVar variation 640255 (VCV000640255.10), dbSNP rs1593899773, ClinGen allele CA387777019.